The following is an entry in ClinVar:

NM_003072.5(SMARCA4):c.2505+7C>G

Gene: SMARCA4 (SWI/SNF related BAF chromatin remodeling complex subunit ATPase 4; plus strand). Cytogenetic location: 19p13.2.
Variant type: single nucleotide variant.
Coding change: c.2505+7C>G on transcript NM_003072.5 (MANE Select); 7 bases into the intron after coding-DNA position 2505, C replaced by G.
Molecular consequence: intron variant.
Genome position (GRCh38, 1-based): chr19:11,019,030, C>G. VCF-style: chr19-11019030-C-G. GRCh37 (hg19) VCF-style: chr19-11129706-C-G.
Other names: c.2505+7C>G (NM_001128844.3, NM_001128849.3, NM_001128847.4 and 6 more transcripts).
Identifiers: ClinVar variation 5042119 (VCV005042119.1).

ClinVar aggregate classification (germline): Likely benign (1 of 4 stars; one submission).

Conditions:
Rhabdoid tumor predisposition syndrome 2 (RTPS2). Identifiers: Orphanet 231108, Orphanet 69077, MedGen C2750074, MONDO:0013224, OMIM 613325.

Submission:

Myriad Genetics, Inc.
Classification: Likely benign for Rhabdoid tumor predisposition syndrome 2. Last evaluated: 2026-07-07. Review status: criteria provided, single submitter. Criteria: Myriad Autosomal Dominant, Autosomal Recessive and X-Linked Classification Criteria (2023). Collection method: clinical testing. Allele origin: unknown.
Comment: This variant is considered likely benign. This variant is intronic and is not expected to impact mRNA splicing.